The following is an entry in ClinVar:

NM_018124.4(RFWD3):c.511A>G (p.Ser171Gly)

Gene: RFWD3 (ring finger and WD repeat domain 3; minus strand). Cytogenetic location: 16q23.1.
Variant type: single nucleotide variant.
Coding change: c.511A>G on transcript NM_018124.4 (MANE Select); coding-DNA position 511, A replaced by G.
Protein change: p.Ser171Gly; replaces serine 171 with glycine.
Molecular consequence: missense variant. On other transcripts: 5 prime UTR variant (4), intron variant (1).
Genome position (GRCh38, 1-based): chr16:74,660,939, T>C on the plus strand (A>G on the coding strand, the complement: RFWD3 is on the minus strand). VCF-style: chr16-74660939-T-C. GRCh37 (hg19) VCF-style: chr16-74694837-T-C.
Other names: c.511A>G (NM_018124.3); c.511A>G, p.Ser171Gly (NM_001370534.1, NM_001370535.1, NM_001370536.1); c.-498A>G (NM_001370537.1); c.-121A>G (NM_001370539.1, NM_001370541.1); c.-375A>G (NM_001370542.1); c.-253A>G (NM_001370543.1); c.-317+3685A>G (NM_001370540.1); short protein forms S171G.
Identifiers: ClinVar variation 1973016 (VCV001973016.6), dbSNP rs749127097, ClinGen allele CA8169558.

ClinVar aggregate classification (germline): Uncertain significance. Review status: criteria provided, multiple submitters, no conflicts (2 of 4 stars). 2 submissions from 2 submitters: Uncertain significance (2). Last evaluated 2025-12-11.

Allele frequency attached by ClinVar (database versions not stated): gnomAD 0.00003; ExAC 0.00013.
gnomAD v4.1: 59 of 1,612,090 alleles (0.0037%); highest among the groups gnomAD compares: South Asian, 0.056%; 1 homozygote.

Submissions (2):

Labcorp Genetics (formerly Invitae), Labcorp
Classification: Uncertain significance. Last evaluated: 2025-12-11. Review status: criteria provided, single submitter. Criteria: Invitae Variant Classification Sherloc (09022015). Collection method: clinical testing. Allele origin: germline.
Comment: This sequence change replaces serine, which is neutral and polar, with glycine, which is neutral and non-polar, at codon 171 of the RFWD3 protein (p.Ser171Gly). This variant is present in population databases (rs749127097, gnomAD 0.08%), and has an allele count higher than expected for a pathogenic variant. This variant has not been reported in the literature in individuals affected with RFWD3-related conditions. ClinVar contains an entry for this variant (Variation ID: 1973016). An algorithm developed to predict the effect of missense changes on protein structure and function outputs the following: PolyPhen-2: "Benign". The glycine amino acid residue is found in multiple mammalian species, which suggests that this missense change does not adversely affect protein function. In summary, the available evidence is currently insufficient to determine the role of this variant in disease. Therefore, it has been classified as a Variant of Uncertain Significance.

Ambry Genetics
Classification: Uncertain significance. Last evaluated: 2024-04-08. Review status: criteria provided, single submitter. Criteria: Ambry Variant Classification Scheme 2023. Collection method: clinical testing. Allele origin: germline.